The following is an entry in ClinVar:

NM_001365276.2(TNXB):c.9055C>T (p.His3019Tyr)

Gene: TNXB (tenascin XB; minus strand). Cytogenetic location: 6p21.33.
Variant type: single nucleotide variant.
Coding change: c.9055C>T on transcript NM_001365276.2 (MANE Select); coding-DNA position 9055, C replaced by T.
Protein change: p.His3019Tyr; replaces histidine 3019 with tyrosine.
Molecular consequence: missense variant.
Genome position (GRCh38, 1-based): chr6:32,052,730, G>A on the plus strand (C>T on the coding strand, the complement: TNXB is on the minus strand). VCF-style: chr6-32052730-G-A. GRCh37 (hg19) VCF-style: chr6-32020507-G-A.
Other names: c.9796C>T, p.His3266Tyr (NM_001428335.1); c.9049C>T, p.His3017Tyr (NM_019105.8); short protein forms H3017Y, H3019Y, H3266Y.
Identifiers: ClinVar variation 4865801 (VCV004865801.1).
Genomic context (GRCh38, chr6:32,052,730, plus strand): 5'-CTGTCACACCCACAGCGGACACTGGGCCCACGCGCTGCCCCTCGTGGAGGCCGTACAGGT[G>A]CATCTTGTATTTGCACCCGGGCTCCAGGCCCCCCACGGTGACCTCGCTCTCCTCGCCCCT-3'
Protein context (NP_001352205.1, residues 3009-3029): GLEPGCKYKM[His3019Tyr]LYGLHEGQRV

ClinVar aggregate classification (germline): Uncertain significance (1 of 4 stars; one submission).

Conditions:
Cardiovascular phenotype. Identifiers: MedGen CN230736.

Submission:

Ambry Genetics
Classification: Uncertain significance for Cardiovascular phenotype. Last evaluated: 2026-06-09. Review status: criteria provided, single submitter. Criteria: Ambry Variant Classification Scheme 2023. Collection method: clinical testing. Allele origin: germline.
Comment: The p.H3017Y variant (also known as c.9049C>T), located in coding exon 25 of the TNXB gene, results from a C to T substitution at nucleotide position 9049. The histidine at codon 3017 is replaced by tyrosine, an amino acid with similar properties. This amino acid position is conserved. In addition, this alteration is predicted to be tolerated by in silico analysis. Based on the available evidence, the clinical significance of this variant remains unclear.